The following is an entry in ClinVar:

ClinVar aggregate classification (germline): Pathogenic. Review status: criteria provided, multiple submitters, no conflicts (2 of 4 stars). 21 submissions from 20 submitters: Pathogenic (19). 2 of the submissions do not count toward it. Last evaluated 2025-12-05.

Conditions:
Mismatch repair cancer syndrome 4. Identifiers: MedGen C5436817, MONDO:0030843, OMIM 619101.
Lynch syndrome 4 (LYNCH4). Also called: Colorectal cancer, hereditary nonpolyposis, type 4; Hereditary non-polyposis colorectal cancer, type 4. Identifiers: Orphanet 144, MedGen C1838333, MONDO:0013699, OMIM 614337. Disease mechanism: loss of function.
Hereditary nonpolyposis colorectal neoplasms. Identifiers: MedGen C0009405, MeSH D003123.
Hereditary nonpolyposis colon cancer (HNPCC). Also called: Hereditary Nonpolyposis Colorectal Cancer Syndrome; Hereditary nonpolyposis colorectal cancer; Familial nonpolyposis colon cancer. Identifiers: Orphanet 443909, MedGen C1333990, MONDO:0018630. Disease mechanism: loss of function.
Hereditary cancer-predisposing syndrome. Also called: Hereditary neoplastic syndrome; Neoplastic Syndromes, Hereditary; Hereditary Cancer Syndrome; Tumor predisposition. Identifiers: Orphanet 140162, MedGen C0027672, MeSH D009386, MONDO:0015356.
Lynch syndrome. Identifiers: Orphanet 144, MedGen C4552100, MONDO:0005835. Disease mechanism: loss of function.
Mismatch repair cancer syndrome 1 (MMRCS1). Also called: BRAIN TUMOR-POLYPOSIS SYNDROME 1; BTP1 SYNDROME; CHILDHOOD CANCER SYNDROME; MISMATCH REPAIR DEFICIENCY; MMR DEFICIENCY. Identifiers: Orphanet 252202, MedGen C5399763, MONDO:0010159, OMIM 276300. Disease mechanism: loss of function.

Allele frequency attached by ClinVar (database versions not stated): TOPMed 0.00001.

Submissions 1 to 10 of 21:

Labcorp Genetics (formerly Invitae), Labcorp
Classification: Pathogenic for Hereditary nonpolyposis colorectal neoplasms. Last evaluated: 2025-12-05. Review status: criteria provided, single submitter. Criteria: Invitae Variant Classification Sherloc (09022015). Collection method: clinical testing. Allele origin: germline.
Comment: This sequence change creates a premature translational stop signal (p.Gln275*) in the PMS2 gene. It is expected to result in an absent or disrupted protein product. Loss-of-function variants in PMS2 are known to be pathogenic (PMID: 21376568, 24362816). This variant is present in population databases (rs587780062, gnomAD 0.006%). This premature translational stop signal has been observed in individual(s) with Lynch syndrome, and constitutional mismatch repair deficiency (PMID: 23012243, 24689082, 26110232). Invitae Evidence Modeling of clinical and family history, age, sex, and reported ancestry of multiple individuals with this PMS2 variant has been performed. This variant is expected to be pathogenic with a positive predictive value of at least 99%. This is a validated machine learning model that incorporates the clinical features of 1,627,235 individuals referred to our laboratory for PMS2 testing. ClinVar contains an entry for this variant (Variation ID: 127796). For these reasons, this variant has been classified as Pathogenic.

Molecular Diagnostics Laboratory, Catalan Institute of Oncology
Classification: Pathogenic for Hereditary cancer-predisposing syndrome. Last evaluated: 2025-03-27. Review status: criteria provided, single submitter. Criteria: ClinGen CRC ACMG Specifications PMS2 V1.0.0. Collection method: clinical testing. Allele origin: germline.
Comment: PVS1, PM2_Supporting, PP4 c.823C>T, located in exon 8 of the PMS2 gene , is a nonsense variant expected to result in loss of function by premature protein truncation and nonsense-mediated mRNA decay, p.(Gln275*)(PVS1). This is found in 8/1612770 alleles at a frequency of 0,0005% in the gnomAD v4 database, with a filter allele frequency of 0.005% (Admixed American dataset) (PM2_Supporting). Computational tools for this variant suggests no significant impact on splicing (SpliceAI). It has been reported in a patient diagnosed with CRC showing MSI-H tumor and loss of PMS2 protein expression consistent with the variant location (PMID: 27435373)(PP4). To our knowledge, functional studies have not been performed for this variant. In addition, the variant has been reported in ClinVar (19x pathogenic), LOVD (5x pathogenic, 1x not classified) but has not been identified in the InSiGHT database. Based on currently available information, the variant c.823C>T is classified as a pathogenic variant according to ClinGen_CRC_ACMG_Specifications_PMS2_v1.0.0.

Hereditary Cancer Laboratory, Hospital Universitario 12 de Octubre
Classification: Pathogenic for Hereditary cancer-predisposing syndrome. Last evaluated: 2025-02-02. Review status: criteria provided, single submitter. Criteria: ACMG Guidelines, 2015. Collection method: clinical testing. Allele origin: germline.
Comment: PVS1 + PM2 + PP5

Ambry Genetics
Classification: Pathogenic for Hereditary cancer-predisposing syndrome. Last evaluated: 2025-01-23. Review status: criteria provided, single submitter. Criteria: Ambry Variant Classification Scheme 2023. Collection method: clinical testing. Allele origin: germline.
Comment: The p.Q275* pathogenic mutation (also known as c.823C>T), located in coding exon 8 of the PMS2 gene, results from a C to T substitution at nucleotide position 823. This changes the amino acid from a glutamine to a stop codon within coding exon 8. This mutation has been reported in two Hereditary Non-Polyposis Colorectal Cancer (HNPCC)/Lynch syndrome families in the Netherlands (ten Broeke SW et al. J. Clin. Oncol. 2015 Feb;33(4):319-25); in a child diagnosed with constitutional mismatch repair deficiency (CMMR-D) who also had a second PMS2 mutation (Yeung JT et al. Pediatr Blood Cancer. 2013 Jan;60(1):137-9); and in a patient with endometrial cancer (Susswein LR et al. Genet. Med. 2016 Aug;18(8):823-32). In addition to the clinical data presented in the literature, this alteration is expected to result in loss of function by premature protein truncation or nonsense-mediated mRNA decay. As such, this alteration is interpreted as a disease-causing mutation.

St. Jude Molecular Pathology, St. Jude Children's Research Hospital
Classification: Pathogenic for Lynch syndrome 4. Last evaluated: 2024-06-23. Review status: criteria provided, single submitter. Criteria: St. Jude Assertion Criteria 2020. Collection method: clinical testing. Allele origin: germline.
Comment: The PMS2 c.823C>T (p.Gln275Ter) change is a nonsense variant that is predicted to cause premature protein truncation or absence of protein due to nonsense-mediated decay. This variant has been reported in individuals with Lynch-syndrome associated cancers (PMID: 27435373, 31992580). This variant has also been reported in conjunction with another pathogenic variant in an individual with constitutional mismatch repair deficiency (PMID: 22848017). This variant has a maximum subpopulation frequency of 0.006% in gnomAD v2.1.1. In summary, this variant meets criteria to be classified as pathogenic.

Fulgent Genetics
Classification: Pathogenic for Lynch syndrome 4; Mismatch repair cancer syndrome 4. Last evaluated: 2024-04-15. Review status: criteria provided, single submitter. Criteria: ACMG Guidelines, 2015. Collection method: clinical testing. Allele origin: germline.

All of Us Research Program, National Institutes of Health
Classification: Pathogenic for Lynch syndrome. Last evaluated: 2023-12-13. Review status: criteria provided, single submitter. Criteria: ACMG Guidelines, 2015. Collection method: clinical testing. Allele origin: germline. Inheritance: Autosomal dominant inheritance. Observed: 2 variant alleles, 2 heterozygotes.
Comment: The c.823C>T (p.Gln275*) variant in the PMS2 gene is located on the exon 8 and introduces a premature translation termination codon (p.Gln275*), resulting in an absent or disrupted protein product. The variant has been reported in multiple individuals with Lynch syndrome-associated cancer or constitutional mismatch repair-deficiency syndrome (PMID: 28514183, 24689082, 27435373, 26110232, 23012243, 22848017). Loss-of-function variants in PMS2 are known to be pathogenic and variants located downstream to this position in this exon have been reported as pathogenic (PMID: 28514183, 25512458, 35223509, p.Gln288fs, ClinVar ID: 91376). The variant is reported in ClinVar (ID: 127796). The variant is rare in the general population according to gnomAD (2/251410). Therefore, the c.823C>T (p.Gln275*) variant of PMS2 has been classified as pathogenic.

This study involves interpretation of variants in research participants for the purpose of population health screening. Participant phenotype was not available at the time of variant classification. Additional details can be found in publication PMID: 35346344, PMCID: PMC8962531

Baylor Genetics
Classification: Pathogenic for Lynch syndrome 4. Last evaluated: 2023-10-22. Review status: criteria provided, single submitter. Criteria: ACMG Guidelines, 2015. Collection method: clinical testing. Allele origin: unknown.

Myriad Genetics, Inc.
Classification: Pathogenic for Lynch syndrome 4. Last evaluated: 2023-09-19. Review status: criteria provided, single submitter. Criteria: Myriad Autosomal Dominant, Autosomal Recessive and X-Linked Classification Criteria (2023). Collection method: clinical testing. Allele origin: unknown.
Comment: This variant is considered pathogenic. This variant creates a termination codon and is predicted to result in premature protein truncation.

Color Diagnostics, LLC DBA Color Health
Classification: Pathogenic for Hereditary cancer-predisposing syndrome. Last evaluated: 2023-09-05. Review status: criteria provided, single submitter. Criteria: ACMG Guidelines, 2015. Collection method: clinical testing. Allele origin: germline.
Comment: This variant changes 1 nucleotide in exon 8 of the PMS2 gene, creating a premature translation stop signal. This variant is expected to result in an absent or non-functional protein product. This variant has been reported in an individual affected with constitutional mismatch mismatch repair deficiency who also carried another pathogenic PMS2 variant in trans (PMID: 22848017), as well as in multiple individuals affected with Lynch syndrome (PMID: 25512458, 27435373, 31992580). This variant has been identified in 2/251410 chromosomes in the general population by the Genome Aggregation Database (gnomAD). Loss of PMS2 function is a known mechanism of disease. Based on the available evidence, this variant is classified as Pathogenic.

NM_000535.7(PMS2):c.823C>T (p.Gln275Ter)

Gene: PMS2 (PMS1 homolog 2, mismatch repair system component; minus strand). Cytogenetic location: 7p22.1.
Variant type: single nucleotide variant.
Coding change: c.823C>T on transcript NM_000535.7 (MANE Select); coding-DNA position 823, C replaced by T.
Protein change: p.Gln275Ter; replaces glutamine 275 with a stop codon.
Molecular consequence: nonsense. On other transcripts: 5 prime UTR variant (2), non-coding transcript variant (1).
Genome position (GRCh38, 1-based): chr7:5,995,614, G>A on the plus strand (C>T on the coding strand, the complement: PMS2 is on the minus strand). VCF-style: chr7-5995614-G-A. GRCh37 (hg19) VCF-style: chr7-6035245-G-A.
Other names: p.Q275*:CAA>TAA; c.418C>T, p.Gln140Ter (NM_001322003.2, NM_001322004.2, NM_001322005.2 and 2 more transcripts); c.823C>T, p.Gln275Ter (NM_001322006.2, NM_001322014.2); c.505C>T, p.Gln169Ter (NM_001322007.2, NM_001322008.2); c.-111C>T (NM_001322011.2, NM_001322012.2); c.250C>T, p.Gln84Ter (NM_001322013.2); c.514C>T, p.Gln172Ter (NM_001322015.2); short protein forms Q275*, Q84*, Q169*, Q172*, Q140*.
Identifiers: ClinVar variation 127796 (VCV000127796.45), dbSNP rs587780062, ClinGen allele CA012937.